The following is an entry in ClinVar:

NM_001122769.3(LCA5):c.86C>T (p.Thr29Met)

Gene: LCA5 (lebercilin LCA5; minus strand). Cytogenetic location: 6q14.1.
Variant type: single nucleotide variant.
Coding change: c.86C>T on transcript NM_001122769.3 (MANE Select); coding-DNA position 86, C replaced by T.
Protein change: p.Thr29Met; replaces threonine 29 with methionine.
Molecular consequence: missense variant.
Genome position (GRCh38, 1-based): chr6:79,518,809, G>A on the plus strand (C>T on the coding strand, the complement: LCA5 is on the minus strand). VCF-style: chr6-79518809-G-A. GRCh37 (hg19) VCF-style: chr6-80228526-G-A.
Other names: c.86C>T, p.Thr29Met (NM_181714.4); c.86C>T (NM_181714.3); short protein forms T29M.
Identifiers: ClinVar variation 2053751 (VCV002053751.3), dbSNP rs538469651, ClinGen allele CA3901218.

ClinVar aggregate classification (germline): Conflicting classifications of pathogenicity. Review status: criteria provided, conflicting classifications (1 of 4 stars). 3 submissions from 3 submitters: Uncertain significance (2); Likely benign (1). Last evaluated 2026-01-27.

Conditions:
LCA5-related disorder. Also called: LCA5-related condition.

Allele frequency attached by ClinVar (database versions not stated): TOPMed 0.00005; gnomAD 0.00006; ExAC 0.00009; 1000 Genomes Project 30x 0.00016; 1000 Genomes Project 0.00020.

Submissions (3):

PreventionGenetics, part of Exact Sciences
Classification: Uncertain significance for LCA5-related condition. Last evaluated: 2026-01-27. Review status: criteria provided, single submitter. Criteria: ACMG Guidelines, 2015. Collection method: clinical testing. Allele origin: germline.
Comment: The LCA5 c.86C>T variant is predicted to result in the amino acid substitution p.Thr29Met. To our knowledge, this variant has not been reported in the literature. This variant is reported in 0.020% of alleles in individuals of South Asian descent in gnomAD. At this time, the clinical significance of this variant is uncertain due to the absence of conclusive functional and genetic evidence.

Blueprint Genetics
Classification: Likely benign. Last evaluated: 2024-07-03. Review status: criteria provided, single submitter. Criteria: ACMG Guidelines, 2015. Collection method: clinical testing. Allele origin: germline.

Labcorp Genetics (formerly Invitae), Labcorp
Classification: Uncertain significance. Last evaluated: 2022-10-13. Review status: criteria provided, single submitter. Criteria: Invitae Variant Classification Sherloc (09022015). Collection method: clinical testing. Allele origin: germline.
Comment: This sequence change replaces threonine, which is neutral and polar, with methionine, which is neutral and non-polar, at codon 29 of the LCA5 protein (p.Thr29Met). This variant is present in population databases (rs538469651, gnomAD 0.02%). This variant has not been reported in the literature in individuals affected with LCA5-related conditions. Advanced modeling of protein sequence and biophysical properties (such as structural, functional, and spatial information, amino acid conservation, physicochemical variation, residue mobility, and thermodynamic stability) has been performed at Invitae for this missense variant, however the output from this modeling did not meet the statistical confidence thresholds required to predict the impact of this variant on LCA5 protein function. In summary, the available evidence is currently insufficient to determine the role of this variant in disease. Therefore, it has been classified as a Variant of Uncertain Significance.